The following is an entry in ClinVar:

NM_021951.3(DMRT1):c.173C>G (p.Ser58Cys)

Gene: DMRT1 (doublesex and mab-3 related transcription factor 1; plus strand). Cytogenetic location: 9p24.3.
Variant type: single nucleotide variant.
Coding change: c.173C>G on transcript NM_021951.3 (MANE Select); coding-DNA position 173, C replaced by G.
Protein change: p.Ser58Cys; replaces serine 58 with cysteine.
Molecular consequence: missense variant.
Genome position (GRCh38, 1-based): chr9:842,011, C>G. VCF-style: chr9-842011-C-G. GRCh37 (hg19) VCF-style: chr9-842011-C-G.
Other names: short protein forms S58C.
Identifiers: ClinVar variation 2214322 (VCV002214322.4), dbSNP rs921657610, ClinGen allele CA187848897.
Genomic context (GRCh38, chr9:842,011, plus strand): 5'-TAGTGGGGGCGGCCAGCGGCTCGAGCGCCGGGGGCAGCAGCAGAGGAGGCGGCTCCGGCT[C>G]CGGGGCGTCGGACCTGGGTGCCGGGAGCAAGAAGTCCCCGCGGCTGCCCAAGTGCGCACG-3'
Protein context (NP_068770.2, residues 48-68): GGSSRGGGSG[Ser58Cys]GASDLGAGSK

ClinVar aggregate classification (germline): Uncertain significance. Review status: criteria provided, multiple submitters, no conflicts (2 of 4 stars). 2 submissions from 2 submitters: Uncertain significance (2). Last evaluated 2024-09-01.

Allele frequency attached by ClinVar (database versions not stated): gnomAD 0.00001; gnomAD exomes 0.00001; TOPMed 0.00002.
gnomAD v4.1: 16 of 1,553,514 alleles (0.001%); highest among the groups gnomAD compares: Non-Finnish European, 0.0012%; no homozygotes.

Submissions (2):

Labcorp Genetics (formerly Invitae), Labcorp
Classification: Uncertain significance. Last evaluated: 2024-09-01. Review status: criteria provided, single submitter. Criteria: Invitae Variant Classification Sherloc (09022015). Collection method: clinical testing. Allele origin: germline.
Comment: This sequence change replaces serine, which is neutral and polar, with cysteine, which is neutral and slightly polar, at codon 58 of the DMRT1 protein (p.Ser58Cys). This variant is present in population databases (no rsID available, gnomAD 0.003%). This variant has not been reported in the literature in individuals affected with DMRT1-related conditions. ClinVar contains an entry for this variant (Variation ID: 2214322). Invitae Evidence Modeling of protein sequence and biophysical properties (such as structural, functional, and spatial information, amino acid conservation, physicochemical variation, residue mobility, and thermodynamic stability) indicates that this missense variant is not expected to disrupt DMRT1 protein function with a negative predictive value of 80%. In summary, the available evidence is currently insufficient to determine the role of this variant in disease. Therefore, it has been classified as a Variant of Uncertain Significance.

Ambry Genetics
Classification: Uncertain significance. Last evaluated: 2022-02-24. Review status: criteria provided, single submitter. Criteria: Ambry Variant Classification Scheme 2023. Collection method: clinical testing. Allele origin: germline.